The following is an entry in ClinVar:

ClinVar aggregate classification (germline): Likely pathogenic (1 of 4 stars; one submission).

Submission:

GeneDx
Classification: Likely pathogenic. Last evaluated: 2026-03-14. Review status: criteria provided, single submitter. Criteria: GeneDx Variant Classification Process June 2021. Collection method: clinical testing. Allele origin: germline.
Comment: Not observed at significant frequency in large population cohorts (gnomAD); Has not been previously published as pathogenic or benign to our knowledge; Located in a specific region of the I-band within TTN for which truncating variants are significantly associated with autosomal dominant cardiomyopathy and also with autosomal recessive skeletal myopathies (PMID: 27625338, 27869827, 32778822); This variant is associated with the following publications: (PMID: 27625338, 27869827, 32778822)

NM_001267550.2(TTN):c.9269G>A (p.Trp3090Ter)

Gene: TTN (titin; minus strand). Cytogenetic location: 2q31.2.
Variant type: single nucleotide variant.
Coding change: c.9269G>A on transcript NM_001267550.2 (MANE Select); coding-DNA position 9269, G replaced by A.
Protein change: p.Trp3090Ter; replaces tryptophan 3090 with a stop codon.
Molecular consequence: nonsense.
Genome position (GRCh38, 1-based): chr2:178,768,050, C>T on the plus strand (G>A on the coding strand, the complement: TTN is on the minus strand). VCF-style: chr2-178768050-C-T. GRCh37 (hg19) VCF-style: chr2-179632777-C-T.
Other names: c.9269G>A, p.Trp3090Ter (NM_001256850.1, NM_133378.4, NM_133379.5); c.9131G>A, p.Trp3044Ter (NM_003319.4, NM_133432.3, NM_133437.4); short protein forms W3090*, W3044*.
Identifiers: ClinVar variation 5009139 (VCV005009139.1).